The following is an entry in ClinVar:

ClinVar aggregate classification (germline): Uncertain significance. Review status: criteria provided, multiple submitters, no conflicts (2 of 4 stars). 2 submissions from 2 submitters: Uncertain significance (2). Last evaluated 2025-07-07.

Conditions:
Neutral 1 amino acid transport defect (HND). Also called: HARTNUP DISORDER; Hartnup disease. Identifiers: Orphanet 2116, MedGen C0018609, MONDO:0009324, OMIM 234500.

Allele frequency attached by ClinVar (database versions not stated): gnomAD exomes 0.00004 and 0.00009; ExAC 0.00005; TOPMed 0.00009; gnomAD 0.00011 and 0.00012; ESP Exome Variant Server 0.00015.
gnomAD v4.1: 83 of 1,613,732 alleles (0.0051%); highest among the groups gnomAD compares: Admixed American, 0.057%; 1 homozygote.

Submissions (2):

Labcorp Genetics (formerly Invitae), Labcorp
Classification: Uncertain significance. Last evaluated: 2025-07-07. Review status: criteria provided, single submitter. Criteria: Invitae Variant Classification Sherloc (09022015). Collection method: clinical testing. Allele origin: germline.
Comment: This sequence change replaces threonine, which is neutral and polar, with methionine, which is neutral and non-polar, at codon 339 of the SLC6A19 protein (p.Thr339Met). This variant is present in population databases (rs140916314, gnomAD 0.05%). This variant has not been reported in the literature in individuals affected with SLC6A19-related conditions. ClinVar contains an entry for this variant (Variation ID: 1406502). Invitae Evidence Modeling of protein sequence and biophysical properties (such as structural, functional, and spatial information, amino acid conservation, physicochemical variation, residue mobility, and thermodynamic stability) indicates that this missense variant is not expected to disrupt SLC6A19 protein function with a negative predictive value of 95%. In summary, the available evidence is currently insufficient to determine the role of this variant in disease. Therefore, it has been classified as a Variant of Uncertain Significance.

Fulgent Genetics
Classification: Uncertain significance for Neutral 1 amino acid transport defect. Last evaluated: 2024-02-14. Review status: criteria provided, single submitter. Criteria: ACMG Guidelines, 2015. Collection method: clinical testing. Allele origin: germline.

NM_001003841.3(SLC6A19):c.1016C>T (p.Thr339Met)

Gene: SLC6A19 (solute carrier family 6 member 19; plus strand). Cytogenetic location: 5p15.33.
Variant type: single nucleotide variant.
Coding change: c.1016C>T on transcript NM_001003841.3 (MANE Select); coding-DNA position 1016, C replaced by T.
Protein change: p.Thr339Met; replaces threonine 339 with methionine.
Molecular consequence: missense variant.
Genome position (GRCh38, 1-based): chr5:1,216,686, C>T. VCF-style: chr5-1216686-C-T. GRCh37 (hg19) VCF-style: chr5-1216801-C-T.
Other names: short protein forms T339M.
Identifiers: ClinVar variation 1406502 (VCV001406502.5), dbSNP rs140916314, ClinGen allele CA3182984.